The following is an entry in ClinVar:

NM_133642.5(LARGE1):c.1731-24T>C

Gene: LARGE1 (LARGE xylosyl- and glucuronyltransferase 1; minus strand). Cytogenetic location: 22q12.3.
Variant type: single nucleotide variant.
Coding change: c.1731-24T>C on transcript NM_133642.5 (MANE Select); 24 bases into the intron before coding-DNA position 1731, T replaced by C.
Molecular consequence: intron variant.
Genome position (GRCh38, 1-based): chr22:33,283,372, A>G on the plus strand (T>C on the coding strand, the complement: LARGE1 is on the minus strand). VCF-style: chr22-33283372-A-G. GRCh37 (hg19) VCF-style: chr22-33679358-A-G.
Other names: c.1731-24T>C (NM_001362953.2, NM_001362949.2, NM_001362951.2 and 4 more transcripts); c.1731-6117T>C (NM_001378627.1, NM_001378628.1); c.1575-24T>C (NM_001378629.1); c.972-6117T>C (NM_001378631.1); c.1128-24T>C (NM_001378630.1).
Identifiers: ClinVar variation 95168 (VCV000095168.14), dbSNP rs73399532, ClinGen allele CA148284.

ClinVar aggregate classification (germline): Benign/Likely benign. Review status: criteria provided, multiple submitters, no conflicts (2 of 4 stars). 5 submissions from 5 submitters: Benign (2); Likely benign (2). 1 of the submissions does not count toward it. Last evaluated 2018-06-30.

Allele frequency attached by ClinVar (database versions not stated): gnomAD exomes 0.00320 and 0.00871; ExAC 0.01054; gnomAD 0.03287 and 0.03540; 1000 Genomes Project 0.03395; TOPMed 0.03716; ESP Exome Variant Server 0.03737; 1000 Genomes Project 30x 0.03795.
gnomAD v4.1: 9,875 of 1,614,016 alleles (0.61%); highest among the groups gnomAD compares: African/African-American, 11%; 496 homozygotes.

Submissions (5):

GeneDx
Classification: Benign. Last evaluated: 2018-06-30. Review status: criteria provided, single submitter. Criteria: GeneDx Variant Classification Process June 2021. Collection method: clinical testing. Allele origin: germline. Affected: yes.

Eurofins Ntd Llc (ga)
Classification: Benign. Last evaluated: 2012-11-15. Review status: criteria provided, single submitter. Criteria: EGL Classification Definitions 2015. Collection method: clinical testing. Allele origin: germline. Observed: 1 variant allele, 1 heterozygote.

Breakthrough Genomics
Classification: Likely benign. Review status: criteria provided, single submitter. Criteria: ACMG Guidelines, 2015. Collection method: not provided. Allele origin: germline. Inheritance: Autosomal recessive inheritance. Affected: yes.

PreventionGenetics, part of Exact Sciences
Classification: Likely benign. Review status: criteria provided, single submitter. Criteria: ACMG Guidelines, 2015. Collection method: clinical testing. Allele origin: germline.

Genetic Services Laboratory, University of Chicago
Classification: Likely benign. Review status: no assertion criteria provided. Collection method: clinical testing. Allele origin: germline. Inheritance: Autosomal recessive inheritance. Not counted in ClinVar's aggregate classification.
Comment: Likely benign based on allele frequency in 1000 Genomes Project or ESP global frequency and its presence in a patient with a rare or unrelated disease phenotype. NOT Sanger confirmed